The following is an entry in ClinVar:

ClinVar aggregate classification (germline): Conflicting classifications of pathogenicity. Review status: criteria provided, conflicting classifications (1 of 4 stars). 3 submissions from 3 submitters: Uncertain significance (1); Likely benign (1). 1 of the submissions does not count toward it. Last evaluated 2025-06-15.

Conditions:
Ataxia-telangiectasia syndrome (AT). Also called: LOUIS-BAR SYNDROME; Cerebello-oculocutaneous telangiectasia; Immunodeficiency with ataxia telangiectasia; Ataxia-telangiectasia, complementation group D; AT, COMPLEMENTATION GROUP C; Ataxia-telangiectasia, complementation group E. Identifiers: Orphanet 100, MedGen C0004135, MONDO:0008840, OMIM 208900.

Allele frequency attached by ClinVar (database versions not stated): TOPMed 0.00001; gnomAD 0.00001.
gnomAD v4.1: 2 of 1,614,104 alleles (0.00012%); highest among the groups gnomAD compares: African/African-American, 0.0027%; no homozygotes.

Submissions (3):

Labcorp Genetics (formerly Invitae), Labcorp
Classification: Likely benign for Ataxia-telangiectasia syndrome. Last evaluated: 2025-06-15. Review status: criteria provided, single submitter. Criteria: Invitae Variant Classification Sherloc (09022015). Collection method: clinical testing. Allele origin: germline.

GeneDx
Classification: Uncertain significance. Last evaluated: 2021-03-26. Review status: criteria provided, single submitter. Criteria: GeneDx Variant Classification Process June 2021. Collection method: clinical testing. Allele origin: germline. Affected: yes.
Comment: Not observed in large population cohorts (Lek 2016); In-silico analysis, which includes splice predictors and evolutionary conservation, is inconclusive as to whether the variant alters gene splicing. In the absence of RNA/functional studies, the actual effect of this sequence change is unknown.; Has not been previously published as pathogenic or benign to our knowledge

Natera, Inc.
Classification: Uncertain significance for Ataxia-telangiectasia. Last evaluated: 2020-11-23. Review status: no assertion criteria provided. Collection method: clinical testing. Allele origin: germline. Not counted in ClinVar's aggregate classification.

NM_000051.4(ATM):c.8988-7T>G

Genes: ATM (ATM serine/threonine kinase; plus strand), C11orf65 (chromosome 11 open reading frame 65; minus strand). Cytogenetic location: 11q22.3.
Variant type: single nucleotide variant.
Coding change: c.8988-7T>G on transcript NM_000051.4 (MANE Select); 7 bases into the intron before coding-DNA position 8988, T replaced by G.
Molecular consequence: intron variant.
Genome position (GRCh38, 1-based): chr11:108,365,318, T>G. VCF-style: chr11-108365318-T-G. GRCh37 (hg19) VCF-style: chr11-108236045-T-G.
Other names: c.8988-7T>G (NM_001351834.2); c.640+20602A>C (NM_001330368.2); c.694+20602A>C (NM_001351110.2).
Identifiers: ClinVar variation 453757 (VCV000453757.23), dbSNP rs1487809821, ClinGen allele CA658656279.